The following is an entry in ClinVar:

ClinVar aggregate classification (germline): Uncertain significance (1 of 4 stars; one submission).

Conditions:
Hereditary sensory and autonomic neuropathy with spastic paraplegia (HSNSP). Identifiers: Orphanet 139578, MedGen C1850395, MONDO:0009748, OMIM 256840.

Submission:

Labcorp Genetics (formerly Invitae), Labcorp
Classification: Uncertain significance for Hereditary sensory and autonomic neuropathy with spastic paraplegia. Last evaluated: 2026-02-02. Review status: criteria provided, single submitter. Criteria: Invitae Variant Classification Sherloc (09022015). Collection method: clinical testing. Allele origin: germline.
Comment: This sequence change replaces glutamine, which is neutral and polar, with proline, which is neutral and non-polar, at codon 86 of the CCT5 protein (p.Gln86Pro). This variant is not present in population databases (gnomAD no frequency). This variant has not been reported in the literature in individuals affected with CCT5-related conditions. Invitae Evidence Modeling of protein sequence and biophysical properties (such as structural, functional, and spatial information, amino acid conservation, physicochemical variation, residue mobility, and thermodynamic stability) indicates that this missense variant is not expected to disrupt CCT5 protein function with a negative predictive value of 80%. In summary, the available evidence is currently insufficient to determine the role of this variant in disease. Therefore, it has been classified as a Variant of Uncertain Significance.

NM_012073.5(CCT5):c.257A>C (p.Gln86Pro)

Gene: CCT5 (chaperonin containing TCP1 subunit 5; plus strand). Cytogenetic location: 5p15.2.
Variant type: single nucleotide variant.
Coding change: c.257A>C on transcript NM_012073.5 (MANE Select); coding-DNA position 257, A replaced by C.
Protein change: p.Gln86Pro; replaces glutamine 86 with proline.
Molecular consequence: missense variant. On other transcripts: intron variant (2).
Genome position (GRCh38, 1-based): chr5:10,254,764, A>C. VCF-style: chr5-10254764-A-C. GRCh37 (hg19) VCF-style: chr5-10254876-A-C.
Other names: c.194A>C, p.Gln65Pro (NM_001306153.1); c.143A>C, p.Gln48Pro (NM_001306156.2); c.166+559A>C (NM_001306154.2); c.52+559A>C (NM_001306155.2); short protein forms Q86P, Q65P, Q48P.
Identifiers: ClinVar variation 4745305 (VCV004745305.1).